The following is an entry in ClinVar:

ClinVar aggregate classification (germline): Benign/Likely benign. Review status: criteria provided, multiple submitters, no conflicts (2 of 4 stars). 13 submissions from 13 submitters: Benign (5); Likely benign (5). 3 of the submissions do not count toward it. Last evaluated 2026-09-01.

Conditions:
COG1-related disorder. Also called: COG1-related condition.
COG1 congenital disorder of glycosylation (CDG2G). Also called: CONGENITAL DISORDER OF GLYCOSYLATION, TYPE IIg; CDG IIg; CDGII/COG1 CEREBROCOSTOMANDIBULAR-LIKE SYNDROME. Identifiers: Orphanet 263508, MedGen C2931011, MONDO:0012637, OMIM 611209.
Intellectual disability. Also called: Intellectual functioning disability; Intellectual developmental disorder; intellectual disabilities. Identifiers: MedGen C3714756, MeSH D008607, MONDO:0001071, HP:0001249.

Allele frequency attached by ClinVar (database versions not stated): 1000 Genomes Project 30x 0.00312; TOPMed 0.00589; gnomAD exomes 0.00782 and 0.00529; ESP Exome Variant Server 0.00623; ExAC 0.00613; gnomAD 0.00650; 1000 Genomes Project 0.00339.
gnomAD v4.1: 12,303 of 1,613,308 alleles (0.76%); highest among the groups gnomAD compares: Non-Finnish European, 0.93%; 61 homozygotes.

Submissions (13):

CeGaT Center for Human Genetics Tuebingen
Classification: Likely benign. Last evaluated: 2026-09-01. Review status: criteria provided, single submitter. Criteria: CeGaT Center For Human Genetics Tuebingen Variant Classification Criteria Version 2. Collection method: clinical testing. Allele origin: germline. Affected: yes. Observed: 19 variant alleles.
Comment: COG1: BP4, BS2

Labcorp Genetics (formerly Invitae), Labcorp
Classification: Likely benign for COG1 congenital disorder of glycosylation. Last evaluated: 2026-01-26. Review status: criteria provided, single submitter. Criteria: Invitae Variant Classification Sherloc (09022015). Collection method: clinical testing. Allele origin: germline.

Laboratory of Genetics, Children's Clinical University Hospital Latvia
Classification: Benign. Last evaluated: 2025-02-16. Review status: criteria provided, single submitter. Criteria: ACMG Guidelines, 2015. Collection method: clinical testing. Allele origin: germline. Affected: yes.

GeneDx
Classification: Benign. Last evaluated: 2020-09-30. Review status: criteria provided, single submitter. Criteria: GeneDx Variant Classification Process June 2021. Collection method: clinical testing. Allele origin: germline. Affected: yes.
Comment: This variant is associated with the following publications: (PMID: 25533962)

Cambridge Genomics Laboratory, East Genomic Laboratory Hub, NHS Genomic Medicine Service
Classification: Likely benign for Intellectual disability. Last evaluated: 2019-09-03. Review status: criteria provided, single submitter. Criteria: ACGS Best Practice Guidelines for Variant Classification in Rare Disease 2020. Collection method: clinical testing. Allele origin: germline. Affected: yes. Observed: 1 variant allele.

Illumina Laboratory Services, Illumina
Classification: Likely benign for COG1 congenital disorder of glycosylation. Last evaluated: 2018-01-13. Review status: criteria provided, single submitter. Criteria: ICSL Variant Classification Criteria 13 December 2019. Collection method: clinical testing. Allele origin: germline.
Comment: This variant was observed in the ICSL laboratory as part of a predisposition screen in an ostensibly healthy population. It had not been previously curated by ICSL or reported in the Human Gene Mutation Database (HGMD: prior to June 1st, 2018), and was therefore a candidate for classification through an automated scoring system. Utilizing variant allele frequency, disease prevalence and penetrance estimates, and inheritance mode, an automated score was calculated to assess if this variant is too frequent to cause the disease. Based on the score and internal cut-off values, a variant classified as likely benign is not then subjected to further curation. The score for this variant resulted in a classification of likely benign for this disease.

Center for Pediatric Genomic Medicine, Children's Mercy Hospital and Clinics
Classification: Benign. Last evaluated: 2015-08-26. Review status: criteria provided, single submitter. Criteria: ACMG Guidelines, 2015. Collection method: clinical testing. Allele origin: germline.

Genomic Diagnostic Laboratory, Division of Genomic Diagnostics, Children's Hospital of Philadelphia
Classification: Benign. Last evaluated: 2015-04-12. Review status: criteria provided, single submitter. Criteria: DGD Variant Analysis Guidelines. Collection method: clinical testing. Allele origin: unknown.

Eurofins Ntd Llc (ga)
Classification: Benign. Last evaluated: 2013-09-26. Review status: criteria provided, single submitter. Criteria: EGL Classification Definitions 2015. Collection method: clinical testing. Allele origin: germline. Observed: 4 variant alleles, 4 heterozygotes.

Breakthrough Genomics
Classification: Likely benign. Review status: criteria provided, single submitter. Criteria: ACMG Guidelines, 2015. Collection method: not provided. Allele origin: germline. Inheritance: Autosomal recessive inheritance. Affected: yes.

PreventionGenetics, part of Exact Sciences
Classification: Benign for COG1-related condition. Last evaluated: 2019-05-28. Review status: no assertion criteria provided. Collection method: clinical testing. Allele origin: germline. Not counted in ClinVar's aggregate classification.
Comment: This variant is classified as benign based on ACMG/AMP sequence variant interpretation guidelines (Richards et al. 2015 PMID: 25741868, with internal and published modifications).

Diagnostic Laboratory, Department of Genetics, University Medical Center Groningen
Classification: Likely benign. Review status: no assertion criteria provided. Collection method: clinical testing. Allele origin: germline. Affected: yes. Study: VKGL Data-share Consensus. Not counted in ClinVar's aggregate classification.

Laboratory of Diagnostic Genome Analysis, Leiden University Medical Center (LUMC)
Classification: Likely benign. Review status: no assertion criteria provided. Collection method: clinical testing. Allele origin: germline. Affected: yes. Study: VKGL Data-share Consensus. Not counted in ClinVar's aggregate classification.

NM_018714.3(COG1):c.1049C>T (p.Thr350Met)

Genes: COG1 (component of oligomeric golgi complex 1; plus strand), LOC126862634 (CDK7 strongly-dependent group 2 enhancer GRCh37_chr17:71195948-71197147; plus strand). Cytogenetic location: 17q25.1.
Variant type: single nucleotide variant.
Coding change: c.1049C>T on transcript NM_018714.3 (MANE Select); coding-DNA position 1049, C replaced by T.
Protein change: p.Thr350Met; replaces threonine 350 with methionine.
Molecular consequence: missense variant.
Genome position (GRCh38, 1-based): chr17:73,200,000, C>T. VCF-style: chr17-73200000-C-T. GRCh37 (hg19) VCF-style: chr17-71196139-C-T.
Other names: short protein forms T350M.
Identifiers: ClinVar variation 95910 (VCV000095910.51), dbSNP rs117344829, ClinGen allele CA248683.